The following is an entry in ClinVar:

NM_000057.4(BLM):c.3886del (p.Ser1296fs)

Gene: BLM (BLM RecQ like helicase; plus strand). Cytogenetic location: 15q26.1.
Variant type: Deletion.
Coding change: c.3886del on transcript NM_000057.4 (MANE Select); coding-DNA position 3886, one base deleted (T; older notation c.3886delT).
Protein change: p.Ser1296fs; shifts the reading frame from serine 1296.
Molecular consequence: frameshift variant.
Genome position (GRCh38, 1-based): chr15:90,811,216, T deleted; the last of 2 consecutive T bases (chr15:90,811,215-90,811,216); deleting either gives the same sequence. VCF-style (leftmost placement, unchanged base first): chr15-90811214-GT-G. GRCh37 (hg19) VCF-style: chr15-91354444-GT-G.
Other names: c.3886del, p.Ser1296fs (NM_001287246.2); c.3493del, p.Ser1165fs (NM_001287247.2); c.2761del, p.Ser921fs (NM_001287248.2); short protein forms S1165fs, S1296fs, S921fs.
Identifiers: ClinVar variation 4063895 (VCV004063895.2).

ClinVar aggregate classification (germline): Likely pathogenic (1 of 4 stars; one submission).

Conditions:
Bloom syndrome (BLM). Also called: Bloom-Torre-Machacek syndrome. Identifiers: Orphanet 125, MedGen C0005859, MONDO:0008876, OMIM 210900.

Submission:

Natera, Inc.
Classification: Likely pathogenic for Bloom syndrome. Last evaluated: 2025-02-04. Review status: criteria provided, single submitter. Criteria: Natera Variant Classification Schema (03/2026). Collection method: clinical testing. Allele origin: germline.
Comment: The c.3886del variant in BLM is a frameshift variant predicted to shift the reading frame beginning at codon 1296 and leads to a stop codon 4 codons downstream. This variant is expected to result in nonsense mediated decay, truncation, or a dysfunctional protein product. This variant is rare in the general population with a frequency below the threshold expected for the associated phenotype(s). Given the available evidence, this variant is classified as Likely Pathogenic.